The following is an entry in ClinVar:

ClinVar aggregate classification (germline): Uncertain significance (1 of 4 stars; one submission).

gnomAD v4.1: 23 of 1,565,928 alleles (0.0015%); highest among the groups gnomAD compares: African/African-American, 0.03%; no homozygotes.

Submission:

Labcorp Genetics (formerly Invitae), Labcorp
Classification: Uncertain significance. Last evaluated: 2025-09-02. Review status: criteria provided, single submitter. Criteria: Invitae Variant Classification Sherloc (09022015). Collection method: clinical testing. Allele origin: germline.
Comment: This sequence change falls in intron 10 of the ARHGEF18 gene. It does not directly change the encoded amino acid sequence of the ARHGEF18 protein. It affects a nucleotide within the consensus splice site. The frequency data for this variant in the population databases is considered unreliable, as metrics indicate poor data quality at this position in the gnomAD database. This variant has not been reported in the literature in individuals affected with ARHGEF18-related conditions. ClinVar contains an entry for this variant (Variation ID: 1402331). Variants that disrupt the consensus splice site are a relatively common cause of aberrant splicing (PMID: 17576681, 9536098). Algorithms developed to predict the effect of sequence changes on RNA splicing suggest that this variant is not likely to affect RNA splicing. In summary, the available evidence is currently insufficient to determine the role of this variant in disease. Therefore, it has been classified as a Variant of Uncertain Significance.

Literature cited by the submitters: PubMed 17576681; PubMed 9536098.

NM_001367823.1(ARHGEF18):c.2452+6C>A

Gene: ARHGEF18 (Rho/Rac guanine nucleotide exchange factor 18; plus strand). Cytogenetic location: 19p13.2.
Variant type: single nucleotide variant.
Coding change: c.2452+6C>A on transcript NM_001367823.1 (MANE Select); 6 bases into the intron after coding-DNA position 2452, C replaced by A.
Molecular consequence: intron variant.
Genome position (GRCh38, 1-based): chr19:7,460,000, C>A. VCF-style: chr19-7460000-C-A. GRCh37 (hg19) VCF-style: chr19-7524886-C-A.
Other names: c.1414+6C>A (NM_001367824.1, NM_015318.4); c.1726+6C>A (NM_001130955.2).
Identifiers: ClinVar variation 1402331 (VCV001402331.5), dbSNP rs372481931, ClinGen allele CA9136844.